The following is an entry in ClinVar:

ClinVar aggregate classification (germline): Pathogenic (1 of 4 stars; one submission).

Conditions:
Familial colorectal cancer type X. Identifiers: Orphanet 440437, MedGen C3896578, MONDO:0018604.

Submission:

Myriad Genetics, Inc.
Classification: Pathogenic for Familial colorectal cancer type X. Last evaluated: 2026-06-23. Review status: criteria provided, single submitter. Criteria: Myriad Autosomal Dominant, Autosomal Recessive and X-Linked Classification Criteria (2023). Collection method: clinical testing. Allele origin: unknown.
Comment: This variant is considered pathogenic. This variant creates a termination codon and is predicted to result in premature protein truncation.

NM_001023.4(RPS20):c.145A>T (p.Lys49Ter)

Gene: RPS20 (ribosomal protein S20; minus strand). Cytogenetic location: 8q12.1.
Variant type: single nucleotide variant.
Coding change: c.145A>T on transcript NM_001023.4 (MANE Select); coding-DNA position 145, A replaced by T.
Protein change: p.Lys49Ter; replaces lysine 49 with a stop codon.
Molecular consequence: nonsense.
Genome position (GRCh38, 1-based): chr8:56,073,727, T>A on the plus strand (A>T on the coding strand, the complement: RPS20 is on the minus strand). VCF-style: chr8-56073727-T-A. GRCh37 (hg19) VCF-style: chr8-56986286-T-A.
Other names: c.145A>T, p.Lys49Ter (NM_001146227.3); short protein forms K49*.
Identifiers: ClinVar variation 4876096 (VCV004876096.1).